The following is an entry in ClinVar:

NM_001029896.2(WDR45):c.827+1G>C

Gene: WDR45 (WD repeat domain 45; minus strand). Cytogenetic location: Xp11.23.
Variant type: single nucleotide variant.
Coding change: c.827+1G>C on transcript NM_001029896.2 (MANE Select); the canonical splice donor site of the intron after coding-DNA position 827, G replaced by C.
Molecular consequence: splice donor variant.
Genome position (GRCh38, 1-based): chrX:49,075,363, C>G on the plus strand (G>C on the coding strand, the complement: WDR45 is on the minus strand). VCF-style: chrX-49075363-C-G. GRCh37 (hg19) VCF-style: chrX-48933022-C-G.
Other names: c.830+1G>C (NM_007075.4).
Identifiers: ClinVar variation 573902 (VCV000573902.19), dbSNP rs1557083958, ClinGen allele CA412942569.

ClinVar aggregate classification (germline): Pathogenic. Review status: criteria provided, multiple submitters, no conflicts (2 of 4 stars). 6 submissions from 6 submitters: Pathogenic (6). Last evaluated 2026-07-15.

Conditions:
Neurodegeneration with brain iron accumulation 5 (NBIA5). Also called: Beta-propeller protein-associated neurodegeneration; STATIC ENCEPHALOPATHY OF CHILDHOOD WITH NEURODEGENERATION IN ADULTHOOD. Identifiers: Orphanet 329284, MedGen C3550973, MONDO:0010476, OMIM 300894.

Submissions (6):

Institute of Human Genetics, University of Leipzig Medical Center
Classification: Pathogenic for Neurodegeneration with brain iron accumulation 5. Last evaluated: 2026-07-15. Review status: criteria provided, single submitter. Criteria: ACMG Guidelines, 2015. Collection method: clinical testing. Allele origin: unknown. Inheritance: X-linked dominant inheritance. Affected: yes.
Comment: Criteria applied: PVS1,PS2_MOD,PS4_MOD,PM2

3billion
Classification: Pathogenic for Neurodegeneration with brain iron accumulation 5. Last evaluated: 2025-12-25. Review status: criteria provided, single submitter. Criteria: ACMG Guidelines, 2015. Collection method: clinical testing. Allele origin: germline. Affected: yes.
Comment: The variant is not observed in the gnomAD v4.1.0 dataset. Predicted Consequence/Location: Canonical splice site: predicted to alter splicing and result in a loss or disruption of normal protein function. Multiple pathogenic loss-of-function variants are reported downstream of the variant. In silico tools predict the variant to alter splicing and produce an abnormal transcript [SpliceAI: 0.99 (spliceogenicity >=0.2, non-spliceogenicity <0.1)]. The variant has been previously reported as de novo in a similarly affected individual (PMID: 31293896). The variant has been reported at least twice as pathogenic with clinical assertions and evidence for the classification (ClinVar ID: VCV000573902 /PMID: 31293896). Therefore, this variant is classified as Pathogenic according to the recommendation of ACMG/AMP guideline.

Labcorp Genetics (formerly Invitae), Labcorp
Classification: Pathogenic for Neurodegeneration with brain iron accumulation 5. Last evaluated: 2022-01-06. Review status: criteria provided, single submitter. Criteria: Invitae Variant Classification Sherloc (09022015). Collection method: clinical testing. Allele origin: germline.
Comment: This sequence change affects a donor splice site in intron 10 of the WDR45 gene. It is expected to disrupt RNA splicing. Variants that disrupt the donor or acceptor splice site typically lead to a loss of protein function (PMID: 16199547), and loss-of-function variants in WDR45 are known to be pathogenic (PMID: 23176820, 24368176, 24621584, 25744623, 26790960, 27030146, 27652284, 28554332). For these reasons, this variant has been classified as Pathogenic. Algorithms developed to predict the effect of sequence changes on RNA splicing suggest that this variant may disrupt the consensus splice site. ClinVar contains an entry for this variant (Variation ID: 573902). Disruption of this splice site has been observed in individuals with beta-propeller protein-associated neurodegeneration, Rett-like syndrome with childhood irondeposition in brain, or epileptic encephalophathy (PMID: 23176820, 24621584, 28711740). This variant is not present in population databases (gnomAD no frequency).

Genetics and Molecular Pathology, SA Pathology
Classification: Pathogenic for Neurodegeneration with brain iron accumulation 5. Last evaluated: 2021-05-21. Review status: criteria provided, single submitter. Criteria: ACMG Guidelines, 2015. Collection method: clinical testing. Allele origin: germline. Inheritance: X-linked dominant inheritance. Affected: yes.

GeneDx
Classification: Pathogenic. Last evaluated: 2019-03-28. Review status: criteria provided, single submitter. Criteria: GeneDx Variant Classification Process June 2021. Collection method: clinical testing. Allele origin: germline. Affected: yes.
Comment: Predicted to destroy the canonical splice donor site in intron 10; Not observed in large population cohorts (Lek et al., 2016); Has not been previously published as pathogenic or benign to our knowledge; This variant is associated with the following publications: (PMID: 31293896)

Lifecell International Pvt. Ltd
Classification: Pathogenic for Neurodegeneration with brain iron accumulation 5. Review status: criteria provided, single submitter. Criteria: ACMG Guidelines, 2015. Collection method: clinical testing. Allele origin: germline. Inheritance: X-linked dominant inheritance. Affected: yes. Observed: 1 heterozygote.
Comment: A Heterozygous, Splice site donor variant c.830+1G>C in Exon 10 of the WDR45 gene that results in the amino acid substitution was identified. The observed variant has a minor allele frequency of 0.00% in gnomAD exomes and genomes, respectively. The severity of the impact of this variant on the protein is high, based on the effect of the protein and REVEL score. Rare Exome Variant Ensemble Learner (REVEL) is an ensembl method for predicting the pathogenicity of missense variants based on a combination of scores from 13 individual tools: MutPred, FATHMM v2.3, VEST 3.0, PolyPhen-2, SIFT, PROVEAN, MutationAssessor, MutationTaster, LRT, GERP++, SiPhy, phyloP, and phastCons. The REVEL score for an individual missense variant can range from 0 to 1, with higher scores reflecting greater likelihood that the variant is disease-causing. ClinVar has also classified this variant as Pathogenic (Variation ID: 573902) Based on the above evidence this variant has been classified as Pathogenic according to the ACMG guidelines.

Literature cited by the submitters: PubMed 31293896 (cited by 3billion); PubMed 16199547 (cited by Labcorp Genetics (formerly Invitae), Labcorp); PubMed 23176820 (cited by Labcorp Genetics (formerly Invitae), Labcorp); PubMed 24368176 (cited by Labcorp Genetics (formerly Invitae), Labcorp); PubMed 24621584 (cited by Labcorp Genetics (formerly Invitae), Labcorp); PubMed 25744623 (cited by Labcorp Genetics (formerly Invitae), Labcorp); PubMed 26790960 (cited by Labcorp Genetics (formerly Invitae), Labcorp); PubMed 27030146 (cited by Labcorp Genetics (formerly Invitae), Labcorp); PubMed 27652284 (cited by Labcorp Genetics (formerly Invitae), Labcorp); PubMed 28554332 (cited by Labcorp Genetics (formerly Invitae), Labcorp); PubMed 28711740 (cited by Labcorp Genetics (formerly Invitae), Labcorp).